The following is an entry in ClinVar:

NM_001145358.2(SIN3A):c.2543C>G (p.Thr848Arg)

Gene: SIN3A (SIN3 transcription regulator family member A; minus strand). Cytogenetic location: 15q24.2.
Variant type: single nucleotide variant.
Coding change: c.2543C>G on transcript NM_001145358.2 (MANE Select); coding-DNA position 2543, C replaced by G.
Protein change: p.Thr848Arg; replaces threonine 848 with arginine.
Molecular consequence: missense variant.
Genome position (GRCh38, 1-based): chr15:75,392,550, G>C on the plus strand (C>G on the coding strand, the complement: SIN3A is on the minus strand). VCF-style: chr15-75392550-G-C. GRCh37 (hg19) VCF-style: chr15-75684891-G-C.
Other names: c.2543C>G, p.Thr848Arg (NM_001145357.2, NM_015477.3); short protein forms T848R.
Identifiers: ClinVar variation 3687670 (VCV003687670.2).
Genomic context (GRCh38, chr15:75,392,550, plus strand): 5'-AACAGTAACTTGGACTTAGGGGGACTGCCCCCAACACCATTGTGCTTCTTAACTGCCCCT[G>C]TGGCTTCATCTACATCCATCTCTTCTTCTTCCTCTTCCTCCACATCTGAGAGATCACCTC-3'
Protein context (NP_001138830.1, residues 838-858): EEEEMDVDEA[Thr848Arg]GAVKKHNGVG

ClinVar aggregate classification (germline): Uncertain significance (1 of 4 stars; one submission).

Submission:

Labcorp Genetics (formerly Invitae), Labcorp
Classification: Uncertain significance. Last evaluated: 2024-09-01. Review status: criteria provided, single submitter. Criteria: Invitae Variant Classification Sherloc (09022015). Collection method: clinical testing. Allele origin: germline.
Comment: This sequence change replaces threonine, which is neutral and polar, with arginine, which is basic and polar, at codon 848 of the SIN3A protein (p.Thr848Arg). This variant is not present in population databases (gnomAD no frequency). This variant has not been reported in the literature in individuals affected with SIN3A-related conditions. Invitae Evidence Modeling of protein sequence and biophysical properties (such as structural, functional, and spatial information, amino acid conservation, physicochemical variation, residue mobility, and thermodynamic stability) indicates that this missense variant is not expected to disrupt SIN3A protein function with a negative predictive value of 80%. In summary, the available evidence is currently insufficient to determine the role of this variant in disease. Therefore, it has been classified as a Variant of Uncertain Significance.